The following is an entry in ClinVar:

ClinVar aggregate classification (germline): Uncertain significance. Review status: criteria provided, multiple submitters, no conflicts (2 of 4 stars). 2 submissions from 2 submitters: Uncertain significance (2). Last evaluated 2025-10-20.

Conditions:
Erythrocytosis, familial, 3 (ECYT3). Identifiers: Orphanet 247511, MedGen C1853286, MONDO:0012353, OMIM 609820.

Allele frequency attached by ClinVar (database versions not stated): gnomAD exomes below 0.00001.
gnomAD v4.1: 1 of 1,612,390 alleles (0.000062%); highest among the groups gnomAD compares: South Asian, 0.0011%; no homozygotes.

Submissions (2):

Labcorp Genetics (formerly Invitae), Labcorp
Classification: Uncertain significance for Erythrocytosis, familial, 3. Last evaluated: 2025-10-20. Review status: criteria provided, single submitter. Criteria: Invitae Variant Classification Sherloc (09022015). Collection method: clinical testing. Allele origin: germline.
Comment: This sequence change replaces proline, which is neutral and non-polar, with leucine, which is neutral and non-polar, at codon 189 of the EGLN1 protein (p.Pro189Leu). This variant is not present in population databases (gnomAD no frequency). This variant has not been reported in the literature in individuals affected with EGLN1-related conditions. ClinVar contains an entry for this variant (Variation ID: 2191913). An algorithm developed to predict the effect of missense changes on protein structure and function (PolyPhen-2) suggests that this variant is likely to be tolerated. In summary, the available evidence is currently insufficient to determine the role of this variant in disease. Therefore, it has been classified as a Variant of Uncertain Significance.

Ambry Genetics
Classification: Uncertain significance. Last evaluated: 2025-04-05. Review status: criteria provided, single submitter. Criteria: Ambry Variant Classification Scheme 2023. Collection method: clinical testing. Allele origin: germline.
Comment: The p.P189L variant (also known as c.566C>T), located in coding exon 1 of the EGLN1 gene, results from a C to T substitution at nucleotide position 566. The proline at codon 189 is replaced by leucine, an amino acid with similar properties. This amino acid position is conserved. In addition, this alteration is predicted to be tolerated by in silico analysis. Since supporting evidence is limited at this time, the clinical significance of this alteration remains unclear.

NM_022051.3(EGLN1):c.566C>T (p.Pro189Leu)

Gene: EGLN1 (egl-9 family hypoxia inducible factor 1; minus strand). Cytogenetic location: 1q42.2.
Variant type: single nucleotide variant.
Coding change: c.566C>T on transcript NM_022051.3 (MANE Select); coding-DNA position 566, C replaced by T.
Protein change: p.Pro189Leu; replaces proline 189 with leucine.
Molecular consequence: missense variant.
Genome position (GRCh38, 1-based): chr1:231,421,323, G>A on the plus strand (C>T on the coding strand, the complement: EGLN1 is on the minus strand). VCF-style: chr1-231421323-G-A. GRCh37 (hg19) VCF-style: chr1-231557069-G-A.
Other names: c.566C>T (NM_022051.2); c.566C>T, p.Pro189Leu (NM_001377260.1, NM_001377261.1); short protein forms P189L.
Identifiers: ClinVar variation 2191913 (VCV002191913.7), dbSNP rs2102947264, ClinGen allele CA345236558.